The following is an entry in ClinVar:

ClinVar aggregate classification (germline): Uncertain significance. Review status: criteria provided, multiple submitters, no conflicts (2 of 4 stars). 4 submissions from 4 submitters: Uncertain significance (4). Last evaluated 2024-03-06.

Conditions:
Catecholaminergic polymorphic ventricular tachycardia (CVPT). Also called: Catecholamine-induced polymorphic ventricular tachycardia. Identifiers: Orphanet 3286, MedGen C5574922, MONDO:0017990.
Cardiomyopathy (CMYO). Also called: Cardiomyopathies. Identifiers: Orphanet 167848, MedGen C0878544, MONDO:0004994, HP:0001638. Inheritance: Various modes of inheritance.
Catecholaminergic polymorphic ventricular tachycardia 1. Also called: VENTRICULAR TACHYCARDIA, STRESS-INDUCED POLYMORPHIC 1; RYR2-Related Catecholaminergic Polymorphic Ventricular Tachycardia; VENTRICULAR TACHYCARDIA, CATECHOLAMINERGIC POLYMORPHIC, 1, WITH OR WITHOUT ATRIAL DYSFUNCTION AND/OR DILATED CARDIOMYOPATHY. Identifiers: Orphanet 3286, MedGen C1631597, MONDO:0011484, OMIM 604772.

Allele frequency attached by ClinVar (database versions not stated): TOPMed below 0.00001; gnomAD 0.00001; gnomAD exomes 0.00001.
gnomAD v4.1: 9 of 1,578,828 alleles (0.00057%); highest among the groups gnomAD compares: Non-Finnish European, 0.00078%; no homozygotes.

Submissions (4):

Color Diagnostics, LLC DBA Color Health
Classification: Uncertain significance for Cardiomyopathy. Last evaluated: 2024-03-06. Review status: criteria provided, single submitter. Criteria: ACMG Guidelines, 2015. Collection method: clinical testing. Allele origin: germline.
Comment: This missense variant replaces methionine with leucine at codon 4502 of the RYR2 protein. Computational prediction suggests that this variant may not impact protein structure and function (internally defined REVEL score threshold <= 0.5, PMID: 27666373). To our knowledge, functional studies have not been reported for this variant. This variant has not been reported in individuals affected with RYR2-related disorders in the literature. This variant has not been identified in the general population by the Genome Aggregation Database (gnomAD). The available evidence is insufficient to determine the role of this variant in disease conclusively. Therefore, this variant is classified as a Variant of Uncertain Significance.

All of Us Research Program, National Institutes of Health
Classification: Uncertain significance for Catecholaminergic polymorphic ventricular tachycardia. Last evaluated: 2024-02-22. Review status: criteria provided, single submitter. Criteria: ACMG Guidelines, 2015. Collection method: clinical testing. Allele origin: germline. Inheritance: Autosomal dominant inheritance. Observed: 3 variant alleles, 3 heterozygotes.
Comment: This missense variant replaces methionine with leucine at codon 4502 of the RYR2 protein. Computational prediction suggests that this variant may not impact protein structure and function (internally defined REVEL score threshold <= 0.5, PMID: 27666373). To our knowledge, functional studies have not been reported for this variant. This variant has not been reported in individuals affected with cardiovascular disorders in the literature. This variant has not been identified in the general population by the Genome Aggregation Database (gnomAD). The available evidence is insufficient to determine the role of this variant in disease conclusively. Therefore, this variant is classified as a Variant of Uncertain Significance.

This study involves interpretation of variants in research participants for the purpose of population health screening. Participant phenotype was not available at the time of variant classification. Additional details can be found in publication PMID: 35346344, PMCID: PMC8962531

Labcorp Genetics (formerly Invitae), Labcorp
Classification: Uncertain significance for Catecholaminergic polymorphic ventricular tachycardia 1. Last evaluated: 2023-02-25. Review status: criteria provided, single submitter. Criteria: Invitae Variant Classification Sherloc (09022015). Collection method: clinical testing. Allele origin: germline.
Comment: In summary, the available evidence is currently insufficient to determine the role of this variant in disease. Therefore, it has been classified as a Variant of Uncertain Significance. Advanced modeling of protein sequence and biophysical properties (such as structural, functional, and spatial information, amino acid conservation, physicochemical variation, residue mobility, and thermodynamic stability) performed at Invitae indicates that this missense variant is not expected to disrupt RYR2 protein function. ClinVar contains an entry for this variant (Variation ID: 229212). This variant has not been reported in the literature in individuals affected with RYR2-related conditions. This variant is not present in population databases (gnomAD no frequency). This sequence change replaces methionine, which is neutral and non-polar, with leucine, which is neutral and non-polar, at codon 4502 of the RYR2 protein (p.Met4502Leu).

Laboratory for Molecular Medicine, Mass General Brigham Personalized Medicine
Classification: Uncertain significance. Last evaluated: 2015-04-02. Review status: criteria provided, single submitter. Criteria: LMM Criteria. Collection method: clinical testing. Allele origin: germline. Observed: 1 variant allele.
Comment: The p.Met4502Leu variant in RYR2 has not been previously reported in individuals with cardiomyopathy or in large population studies. The affected amino acid is not conserved in evolutionary distant species with some amphibians and fish carr ying the variant amino acid. On the other hand, this amino acid is located in a functionally important domain of the RYR2 protein (Calcium binding/channel formi ng transmembrane domain. In summary, the clinical significance of the p.Met4502L eu variant is uncertain.

NM_001035.3(RYR2):c.13504A>C (p.Met4502Leu)

Gene: RYR2 (ryanodine receptor 2; plus strand). Cytogenetic location: 1q43.
Variant type: single nucleotide variant.
Coding change: c.13504A>C on transcript NM_001035.3 (MANE Select); coding-DNA position 13504, A replaced by C.
Protein change: p.Met4502Leu; replaces methionine 4502 with leucine.
Molecular consequence: missense variant.
Genome position (GRCh38, 1-based): chr1:237,791,456, A>C. VCF-style: chr1-237791456-A-C. GRCh37 (hg19) VCF-style: chr1-237954756-A-C.
Other names: short protein forms M4502L.
Identifiers: ClinVar variation 229212 (VCV000229212.10), dbSNP rs876657985, ClinGen allele CA10576414.